The following is an entry in ClinVar:

ClinVar aggregate classification (germline): Pathogenic (1 of 4 stars; one submission).

Submission:

Labcorp Genetics (formerly Invitae), Labcorp
Classification: Pathogenic. Last evaluated: 2023-04-24. Review status: criteria provided, single submitter. Criteria: Invitae Variant Classification Sherloc (09022015). Collection method: clinical testing. Allele origin: germline.
Comment: For these reasons, this variant has been classified as Pathogenic. This variant has not been reported in the literature in individuals affected with DNAAF4-related conditions. This variant is present in population databases (no rsID available, gnomAD 0.007%). This sequence change creates a premature translational stop signal (p.Ala64Aspfs*4) in the DNAAF4 gene. It is expected to result in an absent or disrupted protein product. Loss-of-function variants in DNAAF4 are known to be pathogenic (PMID: 23872636).

Literature cited by the submitters: PubMed 23872636.

NM_130810.4(DNAAF4):c.191_195del (p.Ala64fs)

Genes: DNAAF4 (dynein axonemal assembly factor 4; minus strand), DNAAF4-CCPG1 (DNAAF4-CCPG1 readthrough (NMD candidate); minus strand). Cytogenetic location: 15q21.3.
Variant type: Microsatellite.
Coding change: c.191_195del on transcript NM_130810.4 (MANE Select); coding-DNA positions 191 to 195, 5 bases deleted (CAAAG; older notation c.191_195delCAAAG).
Protein change: p.Ala64fs; shifts the reading frame from alanine 64.
Molecular consequence: frameshift variant. On other transcripts: non-coding transcript variant (1).
Genome position (GRCh38, 1-based): chr15:55,497,788-55,497,792, CTTTG deleted on the plus strand (CAAAG on the coding strand, the reverse complement: DNAAF4 is on the minus strand); deleting any 5 consecutive bases within chr15:55,497,788-55,497,799 gives the same sequence; the c. name uses the placement nearest the transcript's 3' end. VCF-style (leftmost placement, unchanged base first): chr15-55497787-TCTTTG-T. GRCh37 (hg19) VCF-style: chr15-55789985-TCTTTG-T.
Other names: c.191_195del, p.Ala64fs (NM_001033559.3, NM_001033560.2); short protein forms A64fs.
Identifiers: ClinVar variation 2809092 (VCV002809092.3), dbSNP rs1202764933, ClinGen allele CA618072528.
Genomic context (GRCh38, chr15:55,497,787, plus strand): 5'-GGGTCTCCCACATGGCCGCTTCTTTTTTATACAAGGTGAAGACAATGGTGTCATTCCCAA[TCTTTG>T]CTTTGCTGCTCTCATCGTCTATGGGAGCATAAAGAAATGCCTCAAATAAAAATGGAGGAA-3'